The following is an entry in ClinVar:

NM_001142800.2(EYS):c.9410_9415del (p.Gly3137_Asp3138del)

Genes: EYS (EGF-like photoreceptor maintenance factor; minus strand), PHF3 (PHD finger protein 3; plus strand). Cytogenetic location: 6q12.
Variant type: Deletion.
Coding change: c.9410_9415del on transcript NM_001142800.2 (MANE Select); coding-DNA positions 9410 to 9415, 6 bases deleted (GAGATG; older notation c.9410_9415delGAGATG).
Protein change: p.Gly3137_Asp3138del.
Molecular consequence: inframe deletion. On other transcripts: 3 prime UTR variant (5).
Genome position (GRCh38, 1-based): chr6:63,720,616-63,720,621, CATCTC deleted on the plus strand (GAGATG on the coding strand, the reverse complement: EYS is on the minus strand); deleting any 6 consecutive bases within chr6:63,720,616-63,720,625 gives the same sequence; the c. name uses the placement nearest the transcript's 3' end. VCF-style (leftmost placement, unchanged base first): chr6-63720615-TCATCTC-T. GRCh37 (hg19) VCF-style: chr6-64430511-TCATCTC-T.
Other names: c.*6912_*6917del (NM_001290259.2, NM_001370348.2, NM_001370349.2 and 2 more transcripts); c.9473_9478del, p.Gly3158_Asp3159del (NM_001292009.2).
Identifiers: ClinVar variation 1900068 (VCV001900068.5), dbSNP rs997173508, ClinGen allele CA140236779.
Genomic context (GRCh38, chr6:63,720,615, plus strand): 5'-TGCATTTATGTATAGTGTGTACTAAAATCTCTAGTGTTAACTTATGTAACCTCATTTTGT[TCATCTC>T]CATCATAAACATTGTATCCTTCTAATTTAATTAGTTCAATGTTTTTTGGTTCCTGAAAAA-3'

ClinVar aggregate classification (germline): Uncertain significance (1 of 4 stars; one submission).

Submission:

Labcorp Genetics (formerly Invitae), Labcorp
Classification: Uncertain significance. Last evaluated: 2024-01-19. Review status: criteria provided, single submitter. Criteria: Invitae Variant Classification Sherloc (09022015). Collection method: clinical testing. Allele origin: germline.
Comment: This variant, c.9410_9415del, results in the deletion of 2 amino acid(s) of the EYS protein (p.Gly3137_Asp3138del), but otherwise preserves the integrity of the reading frame. This variant is not present in population databases (gnomAD no frequency). This variant has been observed in individual(s) with retinitis pigmentosa (Invitae). ClinVar contains an entry for this variant (Variation ID: 1900068). This variant disrupts a region of the EYS protein in which other variant(s) (p.Asp3138Glu) have been observed in individuals with EYS-related conditions (PMID: 29641573). This suggests that this is a clinically significant region of the protein, and that variants that disrupt it are likely to be disease-causing. In summary, the available evidence is currently insufficient to determine the role of this variant in disease. Therefore, it has been classified as a Variant of Uncertain Significance.

Literature cited by the submitters: PubMed 29641573.